The following is an entry in ClinVar:

NM_004655.4(AXIN2):c.1060A>G (p.Arg354Gly)

Gene: AXIN2 (axin 2; minus strand). Cytogenetic location: 17q24.1.
Variant type: single nucleotide variant.
Coding change: c.1060A>G on transcript NM_004655.4 (MANE Select); coding-DNA position 1060, A replaced by G.
Protein change: p.Arg354Gly; replaces arginine 354 with glycine.
Molecular consequence: missense variant.
Genome position (GRCh38, 1-based): chr17:65,538,343, T>C on the plus strand (A>G on the coding strand, the complement: AXIN2 is on the minus strand). VCF-style: chr17-65538343-T-C. GRCh37 (hg19) VCF-style: chr17-63534461-T-C.
Other names: c.1060A>G, p.Arg354Gly (NM_001363813.1); short protein forms R354G.
Identifiers: ClinVar variation 1780130 (VCV001780130.2), dbSNP rs2043981832, ClinGen allele CA400678650.

ClinVar aggregate classification (germline): Uncertain significance (1 of 4 stars; one submission).

Conditions:
Hereditary cancer-predisposing syndrome. Also called: Neoplastic Syndromes, Hereditary; Tumor predisposition; Hereditary Cancer Syndrome; Hereditary neoplastic syndrome. Identifiers: Orphanet 140162, MedGen C0027672, MeSH D009386, MONDO:0015356.

Submission:

Ambry Genetics
Classification: Uncertain significance for Hereditary cancer-predisposing syndrome. Last evaluated: 2021-03-22. Review status: criteria provided, single submitter. Criteria: Ambry Variant Classification Scheme 2023. Collection method: clinical testing. Allele origin: germline.
Comment: The p.R354G variant (also known as c.1060A>G) is located in coding exon 4 of the AXIN2 gene. The arginine at codon 354 is replaced by glycine, an amino acid with dissimilar properties. This change occurs in the first base pair of coding exon 4. This amino acid position is highly conserved in available vertebrate species. In addition, this alteration is predicted to be deleterious by in silico analysis. Since supporting evidence is limited at this time, the clinical significance of this alteration remains unclear.